The following is an entry in ClinVar:

NM_001458.5(FLNC):c.3539G>C (p.Cys1180Ser)

Gene: FLNC (filamin C; plus strand). Cytogenetic location: 7q32.1.
Variant type: single nucleotide variant.
Coding change: c.3539G>C on transcript NM_001458.5 (MANE Select); coding-DNA position 3539, G replaced by C.
Protein change: p.Cys1180Ser; replaces cysteine 1180 with serine.
Molecular consequence: missense variant.
Genome position (GRCh38, 1-based): chr7:128,845,004, G>C. VCF-style: chr7-128845004-G-C. GRCh37 (hg19) VCF-style: chr7-128485058-G-C.
Other names: c.3539G>C, p.Cys1180Ser (NM_001127487.2); short protein forms C1180S.
Identifiers: ClinVar variation 2926461 (VCV002926461.6), dbSNP rs1319931619, ClinGen allele CA369197194.

ClinVar aggregate classification (germline): Uncertain significance. Review status: criteria provided, multiple submitters, no conflicts (2 of 4 stars). 3 submissions from 3 submitters: Uncertain significance (3). Last evaluated 2025-12-22.

Conditions:
Cardiovascular phenotype. Identifiers: MedGen CN230736.
Hypertrophic cardiomyopathy 26. Also called: Cardiomyopathy, familial hypertrophic, 26. Identifiers: Orphanet 75249, MedGen C4310749, MONDO:0014883, OMIM 617047.
Distal myopathy with posterior leg and anterior hand involvement. Also called: WILLIAMS DISTAL MYOPATHY. Identifiers: Orphanet 63273, MedGen C3279722, MONDO:0013550, OMIM 614065.
Myofibrillar myopathy 5. Also called: FILAMINOPATHY, AUTOSOMAL DOMINANT; Filaminopathy (type). Identifiers: Orphanet 171445, MedGen C1836050, MONDO:0012289, OMIM 609524.

Allele frequency attached by ClinVar (database versions not stated): gnomAD exomes below 0.00001; TOPMed 0.00002; gnomAD 0.00003.
gnomAD v4.1: 8 of 1,613,720 alleles (0.0005%); highest among the groups gnomAD compares: Admixed American, 0.0083%; no homozygotes.

Submissions (3):

Ambry Genetics
Classification: Uncertain significance for Cardiovascular phenotype. Last evaluated: 2025-12-22. Review status: criteria provided, single submitter. Criteria: Ambry Variant Classification Scheme 2023. Collection method: clinical testing. Allele origin: germline.

Labcorp Genetics (formerly Invitae), Labcorp
Classification: Uncertain significance for Distal myopathy with posterior leg and anterior hand involvement; Myofibrillar myopathy 5; Hypertrophic cardiomyopathy 26. Last evaluated: 2025-11-10. Review status: criteria provided, single submitter. Criteria: Invitae Variant Classification Sherloc (09022015). Collection method: clinical testing. Allele origin: germline.
Comment: This sequence change replaces cysteine, which is neutral and slightly polar, with serine, which is neutral and polar, at codon 1180 of the FLNC protein (p.Cys1180Ser). This variant is present in population databases (no rsID available, gnomAD 0.003%). This variant has not been reported in the literature in individuals affected with FLNC-related conditions. ClinVar contains an entry for this variant (Variation ID: 2926461). Invitae Evidence Modeling of protein sequence and biophysical properties (such as structural, functional, and spatial information, amino acid conservation, physicochemical variation, residue mobility, and thermodynamic stability) has been performed for this missense variant. However, the output from this modeling did not meet the statistical confidence thresholds required to predict the impact of this variant on FLNC protein function. In summary, the available evidence is currently insufficient to determine the role of this variant in disease. Therefore, it has been classified as a Variant of Uncertain Significance.

GeneDx
Classification: Uncertain significance. Last evaluated: 2025-07-29. Review status: criteria provided, single submitter. Criteria: GeneDx Variant Classification Process June 2021. Collection method: clinical testing. Allele origin: germline. Affected: yes.
Comment: Not observed at significant frequency in large population cohorts (gnomAD); In silico analysis supports that this missense variant has a deleterious effect on protein structure/function; Has not been previously published as pathogenic or benign to our knowledge